The following is an entry in ClinVar:

NM_001267550.2(TTN):c.63590T>C (p.Ile21197Thr)

Genes: TTN (titin; minus strand), TTN-AS1 (TTN antisense RNA 1; plus strand). Cytogenetic location: 2q31.2.
Variant type: single nucleotide variant.
Coding change: c.63590T>C on transcript NM_001267550.2 (MANE Select); coding-DNA position 63590, T replaced by C.
Protein change: p.Ile21197Thr; replaces isoleucine 21197 with threonine.
Molecular consequence: missense variant.
Genome position (GRCh38, 1-based): chr2:178,587,719, A>G on the plus strand (T>C on the coding strand, the complement: TTN is on the minus strand). VCF-style: chr2-178587719-A-G. GRCh37 (hg19) VCF-style: chr2-179452446-A-G.
Other names: c.58667T>C, p.Ile19556Thr (NM_001256850.1); c.36395T>C, p.Ile12132Thr (NM_003319.4); c.55886T>C, p.Ile18629Thr (NM_133378.4); c.36770T>C, p.Ile12257Thr (NM_133432.3); c.36971T>C, p.Ile12324Thr (NM_133437.4); short protein forms I12132T, I12257T, I12324T, I18629T, I19556T, I21197T.
Identifiers: ClinVar variation 3336322 (VCV003336322.1).

ClinVar aggregate classification (germline): Uncertain significance (1 of 4 stars; one submission).

gnomAD v4.1: 6 of 1,612,758 alleles (0.00037%); highest among the groups gnomAD compares: Non-Finnish European, 0.00042%; no homozygotes.

Submission:

Women's Health and Genetics/Laboratory Corporation of America, LabCorp
Classification: Uncertain significance. Last evaluated: 2024-05-28. Review status: criteria provided, single submitter. Criteria: LabCorp Variant Classification Summary - May 2015. Collection method: clinical testing. Allele origin: germline.
Comment: Variant summary: TTN NM_133378:c.55886T>C (p.Ile18629Thr) results in a non-conservative amino acid change located in the A-band region of the encoded protein sequence. Four of five in-silico tools predict a benign effect of the variant on protein function. The variant has also been annotated as NM_001267550:c.63590T>C (p.Ile21197Thr). The variant was absent in 247742 control chromosomes. The available data on variant occurrences in the general population are insufficient to allow any conclusion about variant significance. To our knowledge, no occurrence of c.55886T>C in individuals affected with Limb-Girdle Muscular Dystrophy, Type 2J and no experimental evidence demonstrating its impact on protein function have been reported. No submitters have cited clinical-significance assessments for this variant to ClinVar. Based on the evidence outlined above, the variant was classified as uncertain significance.